The following is an entry in ClinVar:

ClinVar aggregate classification (germline): Conflicting classifications of pathogenicity. Review status: criteria provided, conflicting classifications (1 of 4 stars). 2 submissions from 2 submitters: Likely pathogenic (1); Uncertain significance (1). Last evaluated 2024-02-23.

Conditions:
Microcephaly 8, primary, autosomal recessive. Identifiers: Orphanet 2512, MedGen C3553414, MONDO:0013849, OMIM 614673.

Allele frequency attached by ClinVar (database versions not stated): gnomAD exomes 0.00002; gnomAD 0.00004; TOPMed 0.00004; ExAC 0.00010; 1000 Genomes Project 30x 0.00016; 1000 Genomes Project 0.00020.
gnomAD v4.1: 40 of 1,606,700 alleles (0.0025%); highest among the groups gnomAD compares: East Asian, 0.083%; no homozygotes.

Submissions (2):

Labcorp Genetics (formerly Invitae), Labcorp
Classification: Likely pathogenic. Last evaluated: 2024-02-23. Review status: criteria provided, single submitter. Criteria: Invitae Variant Classification Sherloc (09022015). Collection method: clinical testing. Allele origin: germline.
Comment: This sequence change affects an acceptor splice site in intron 11 of the CEP135 gene. It is expected to disrupt RNA splicing. Variants that disrupt the donor or acceptor splice site typically lead to a loss of protein function (PMID: 16199547), and loss-of-function variants in CEP135 are known to be pathogenic (PMID: 22521416, 26657937). This variant is present in population databases (rs202125581, gnomAD 0.1%). This variant has not been reported in the literature in individuals affected with CEP135-related conditions. Algorithms developed to predict the effect of sequence changes on RNA splicing suggest that this variant may disrupt the consensus splice site. In summary, the currently available evidence indicates that the variant is pathogenic, but additional data are needed to prove that conclusively. Therefore, this variant has been classified as Likely Pathogenic.

Juno Genomics, Hangzhou Juno Genomics, Inc
Classification: Uncertain significance for Microcephaly 8, primary, autosomal recessive. Review status: criteria provided, single submitter. Criteria: ACMG Guidelines, 2015. Collection method: clinical testing. Allele origin: germline. Affected: yes.
Comment: Null variant in a gene where loss of function (LOF) is a known mechanism of disease.;For recessive disorders, detected in trans with a pathogenic variant.;Observed in a healthy adult individual for a recessive (homozygous), dominant (heterozygous), or X-linked (hemizygous) disorder with full penetrance expected at an early age.

Literature cited by the submitters: PubMed 16199547 (cited by Labcorp Genetics (formerly Invitae), Labcorp); PubMed 22521416 (cited by Labcorp Genetics (formerly Invitae), Labcorp); PubMed 26657937 (cited by Labcorp Genetics (formerly Invitae), Labcorp).

NM_025009.5(CEP135):c.1474-2A>G

Gene: CEP135 (centrosomal protein 135; plus strand). Cytogenetic location: 4q12.
Variant type: single nucleotide variant.
Coding change: c.1474-2A>G on transcript NM_025009.5 (MANE Select); the canonical splice acceptor site of the intron before coding-DNA position 1474, A replaced by G.
Molecular consequence: splice acceptor variant.
Genome position (GRCh38, 1-based): chr4:55,980,141, A>G. VCF-style: chr4-55980141-A-G. GRCh37 (hg19) VCF-style: chr4-56846307-A-G.
Identifiers: ClinVar variation 2979174 (VCV002979174.5), dbSNP rs202125581, ClinGen allele CA2927886.